The following is an entry in ClinVar:

NM_194454.3(KRIT1):c.489G>A (p.Trp163Ter)

Gene: KRIT1 (KRIT1 ankyrin repeat containing; minus strand). Cytogenetic location: 7q21.2.
Variant type: single nucleotide variant.
Coding change: c.489G>A on transcript NM_194454.3 (MANE Select); coding-DNA position 489, G replaced by A.
Protein change: p.Trp163Ter; replaces tryptophan 163 with a stop codon.
Molecular consequence: nonsense. On other transcripts: 5 prime UTR variant (1).
Genome position (GRCh38, 1-based): chr7:92,235,643, C>T on the plus strand (G>A on the coding strand, the complement: KRIT1 is on the minus strand). VCF-style: chr7-92235643-C-T. GRCh37 (hg19) VCF-style: chr7-91864957-C-T.
Other names: c.489G>A, p.Trp163Ter (NM_001013406.2, NM_001350669.1, NM_001350670.1 and 29 more transcripts); c.-95G>A (NM_001350671.1); short protein forms W163*.
Identifiers: ClinVar variation 620474 (VCV000620474.2), dbSNP rs1563307239, ClinGen allele CA368161619.

ClinVar aggregate classification (germline): Pathogenic/Likely pathogenic. Review status: criteria provided, multiple submitters, no conflicts (2 of 4 stars). 2 submissions from 2 submitters: Pathogenic (1); Likely pathogenic (1). Last evaluated 2025-03-22.

Conditions:
Cerebral cavernous malformation (CCM). Also called: CAVERNOUS ANGIOMA, FAMILIAL; CAVERNOUS ANGIOMATOUS MALFORMATIONS; CEREBRAL CAPILLARY MALFORMATIONS; Cavernous Hemangioma of Brain; Cerebral cavernous hemangioma (type); Cerebral cavernous malformations. Identifiers: Orphanet 221061, MedGen C2919945, MONDO:0000820, OMIM 116860, HP:0033522.

Submissions (2):

Labcorp Genetics (formerly Invitae), Labcorp
Classification: Pathogenic for Cerebral cavernous malformation. Last evaluated: 2025-03-22. Review status: criteria provided, single submitter. Criteria: Invitae Variant Classification Sherloc (09022015). Collection method: clinical testing. Allele origin: germline.
Comment: This sequence change creates a premature translational stop signal (p.Trp163*) in the KRIT1 gene. It is expected to result in an absent or disrupted protein product. Loss-of-function variants in KRIT1 are known to be pathogenic (PMID: 10508515, 11222804, 12404106, 24689081). This variant is not present in population databases (gnomAD no frequency). This variant has not been reported in the literature in individuals affected with KRIT1-related conditions. ClinVar contains an entry for this variant (Variation ID: 620474). For these reasons, this variant has been classified as Pathogenic.

GeneDx
Classification: Likely pathogenic. Last evaluated: 2018-11-19. Review status: criteria provided, single submitter. Criteria: GeneDx Variant Classification (06012015). Collection method: clinical testing. Allele origin: germline. Affected: yes.
Comment: The W163X variant has not been published as a pathogenic variant, nor has it been reported as a benign variant to our knowledge. The W163X variant is not observed in large population cohorts (Lek et al., 2016). The W163X nonsense variant is predicted to cause loss of normal protein function either through protein truncation or nonsense-mediated mRNA decay. Therefore, this variant is likely pathogenic; however, the possibility that it is benign cannot be excluded.

Literature cited by the submitters: PubMed 10508515 (cited by Labcorp Genetics (formerly Invitae), Labcorp); PubMed 11222804 (cited by Labcorp Genetics (formerly Invitae), Labcorp); PubMed 12404106 (cited by Labcorp Genetics (formerly Invitae), Labcorp); PubMed 24689081 (cited by Labcorp Genetics (formerly Invitae), Labcorp).